The following is an entry in ClinVar:

NM_033028.5(BBS4):c.385A>G (p.Lys129Glu)

Gene: BBS4 (Bardet-Biedl syndrome 4; plus strand). Cytogenetic location: 15q24.1.
Variant type: single nucleotide variant.
Coding change: c.385A>G on transcript NM_033028.5 (MANE Select); coding-DNA position 385, A replaced by G.
Protein change: p.Lys129Glu; replaces lysine 129 with glutamic acid.
Molecular consequence: missense variant. On other transcripts: 5 prime UTR variant (1), non-coding transcript variant (2).
Genome position (GRCh38, 1-based): chr15:72,716,830, A>G. VCF-style: chr15-72716830-A-G. GRCh37 (hg19) VCF-style: chr15-73009171-A-G.
Other names: c.385A>G (NM_033028.4, NM_033028.3); c.-137A>G (NM_001252678.2); c.385A>G, p.Lys129Glu (NM_001320665.2); short protein forms K129E.
Identifiers: ClinVar variation 2185482 (VCV002185482.5), dbSNP rs375170079, ClinGen allele CA7646603.

ClinVar aggregate classification (germline): Uncertain significance. Review status: criteria provided, multiple submitters, no conflicts (2 of 4 stars). 5 submissions from 5 submitters: Uncertain significance (5). Last evaluated 2025-12-02.

Conditions:
Inborn genetic diseases. Identifiers: MedGen C0950123, MeSH D030342.
Bardet-Biedl syndrome (BBS). Identifiers: Orphanet 110, MedGen C0752166, MONDO:0015229.
Bardet-Biedl syndrome 4 (BBS4). Identifiers: Orphanet 110, MedGen C2936864, MONDO:0014433, OMIM 615982.
BBS4-related disorder. Also called: BBS4-related condition.

Allele frequency attached by ClinVar (database versions not stated): ExAC 0.00001; gnomAD exomes 0.00002; TOPMed 0.00002; gnomAD 0.00003; ESP Exome Variant Server 0.00008.
gnomAD v4.1: 33 of 1,610,314 alleles (0.002%); highest among the groups gnomAD compares: African/African-American, 0.0027%; no homozygotes.

Submissions (5):

PreventionGenetics, part of Exact Sciences
Classification: Uncertain significance for BBS4-related condition. Last evaluated: 2025-12-02. Review status: criteria provided, single submitter. Criteria: ACMG Guidelines, 2015. Collection method: clinical testing. Allele origin: germline.
Comment: The BBS4 c.385A>G variant is predicted to result in the amino acid substitution p.Lys129Glu. To our knowledge, this variant has not been reported in the literature. This variant is reported in 0.0018% of alleles in individuals of European (Non-Finnish) descent in gnomAD. At this time, the clinical significance of this variant is uncertain due to the absence of conclusive functional and genetic evidence.

Ambry Genetics
Classification: Uncertain significance for Inborn genetic diseases. Last evaluated: 2025-07-15. Review status: criteria provided, single submitter. Criteria: Ambry Variant Classification Scheme 2023. Collection method: clinical testing. Allele origin: germline.

Fulgent Genetics
Classification: Uncertain significance for Bardet-Biedl syndrome 4. Last evaluated: 2024-04-22. Review status: criteria provided, single submitter. Criteria: ACMG Guidelines, 2015. Collection method: clinical testing. Allele origin: germline.

Labcorp Genetics (formerly Invitae), Labcorp
Classification: Uncertain significance for Bardet-Biedl syndrome. Last evaluated: 2022-09-06. Review status: criteria provided, single submitter. Criteria: Invitae Variant Classification Sherloc (09022015). Collection method: clinical testing. Allele origin: germline.
Comment: This sequence change replaces lysine, which is basic and polar, with glutamic acid, which is acidic and polar, at codon 129 of the BBS4 protein (p.Lys129Glu). The frequency data for this variant in the population databases is considered unreliable, as metrics indicate poor data quality at this position in the gnomAD database. This variant has not been reported in the literature in individuals affected with BBS4-related conditions. Algorithms developed to predict the effect of missense changes on protein structure and function (SIFT, PolyPhen-2, Align-GVGD) all suggest that this variant is likely to be tolerated. In summary, the available evidence is currently insufficient to determine the role of this variant in disease. Therefore, it has been classified as a Variant of Uncertain Significance.

Blueprint Genetics
Classification: Uncertain significance. Last evaluated: 2021-09-07. Review status: criteria provided, single submitter. Criteria: ACMG Guidelines, 2015. Collection method: clinical testing. Allele origin: germline.